The following is an entry in ClinVar:

ClinVar aggregate classification (germline): Uncertain significance (1 of 4 stars; one submission).

Conditions:
Gamma-aminobutyric acid transaminase deficiency (GABATD). Also called: GABA aminotransaminase deficiency; GABA transaminase deficiency; Gamma aminobutyrate transaminase deficiency; 4 alpha aminobutyrate transaminase deficiency. Identifiers: Orphanet 2066, MedGen C0342708, MONDO:0013166, OMIM 613163.

Allele frequency attached by ClinVar (database versions not stated): gnomAD 0.00001 and 0.00002; ExAC 0.00002; gnomAD exomes 0.00002; TOPMed 0.00002; 1000 Genomes Project 30x 0.00016; 1000 Genomes Project 0.00020.
gnomAD v4.1: 36 of 1,614,098 alleles (0.0022%); highest among the groups gnomAD compares: East Asian, 0.0067%; no homozygotes.

Submission:

Labcorp Genetics (formerly Invitae), Labcorp
Classification: Uncertain significance for Gamma-aminobutyric acid transaminase deficiency. Last evaluated: 2021-08-31. Review status: criteria provided, single submitter. Criteria: Invitae Variant Classification Sherloc (09022015). Collection method: clinical testing. Allele origin: germline.
Comment: This sequence change replaces arginine with histidine at codon 268 of the ABAT protein (p.Arg268His). The arginine residue is moderately conserved and there is a small physicochemical difference between arginine and histidine. This variant is present in population databases (rs570490857, ExAC 0.01%). This variant has not been reported in the literature in individuals affected with ABAT-related conditions. Algorithms developed to predict the effect of missense changes on protein structure and function (SIFT, PolyPhen-2, Align-GVGD) all suggest that this variant is likely to be tolerated. In summary, the available evidence is currently insufficient to determine the role of this variant in disease. Therefore, it has been classified as a Variant of Uncertain Significance.

NM_020686.6(ABAT):c.803G>A (p.Arg268His)

Gene: ABAT (4-aminobutyrate aminotransferase; plus strand). Cytogenetic location: 16p13.2.
Variant type: single nucleotide variant.
Coding change: c.803G>A on transcript NM_020686.6 (MANE Select); coding-DNA position 803, G replaced by A.
Protein change: p.Arg268His; replaces arginine 268 with histidine.
Molecular consequence: missense variant.
Genome position (GRCh38, 1-based): chr16:8,768,960, G>A. VCF-style: chr16-8768960-G-A. GRCh37 (hg19) VCF-style: chr16-8862817-G-A.
Other names: c.803G>A, p.Arg268His (NM_000663.5, NM_001127448.2, NM_001386600.1 and 7 more transcripts); c.740G>A, p.Arg247His (NM_001386606.1, NM_001386607.1); c.710G>A, p.Arg237His (NM_001386608.1); c.668G>A, p.Arg223His (NM_001386610.1, NM_001386611.1); c.605G>A, p.Arg202His (NM_001386612.1, NM_001386613.1); c.557G>A, p.Arg186His (NM_001386614.1); c.899G>A, p.Arg300His (NM_001386615.1); short protein forms R268H, R186H, R202H, R223H, R237H, R247H, R300H.
Identifiers: ClinVar variation 529785 (VCV000529785.6), dbSNP rs570490857, ClinGen allele CA7893294.